The following is an entry in ClinVar:

ClinVar aggregate classification (germline): Uncertain significance. Review status: criteria provided, multiple submitters, no conflicts (2 of 4 stars). 3 submissions from 3 submitters: Uncertain significance (2). 1 of the submissions does not count toward it. Last evaluated 2025-06-04.

Conditions:
Hereditary cancer-predisposing syndrome. Also called: Hereditary Cancer Syndrome; Hereditary neoplastic syndrome; Neoplastic Syndromes, Hereditary; Tumor predisposition. Identifiers: Orphanet 140162, MedGen C0027672, MeSH D009386, MONDO:0015356.
Bloom syndrome (BLM). Also called: Bloom-Torre-Machacek syndrome. Identifiers: Orphanet 125, MedGen C0005859, MONDO:0008876, OMIM 210900.

gnomAD v4.1: 4 of 1,614,178 alleles (0.00025%); highest among the groups gnomAD compares: Non-Finnish European, 0.00034%; no homozygotes.

Submissions (3):

Labcorp Genetics (formerly Invitae), Labcorp
Classification: Uncertain significance for Bloom syndrome. Last evaluated: 2025-06-04. Review status: criteria provided, single submitter. Criteria: Invitae Variant Classification Sherloc (09022015). Collection method: clinical testing. Allele origin: germline.
Comment: This sequence change replaces glutamic acid, which is acidic and polar, with aspartic acid, which is acidic and polar, at codon 929 of the BLM protein (p.Glu929Asp). This variant is not present in population databases (gnomAD no frequency). This variant has not been reported in the literature in individuals affected with BLM-related conditions. ClinVar contains an entry for this variant (Variation ID: 454119). Invitae Evidence Modeling of protein sequence and biophysical properties (such as structural, functional, and spatial information, amino acid conservation, physicochemical variation, residue mobility, and thermodynamic stability) indicates that this missense variant is not expected to disrupt BLM protein function with a negative predictive value of 80%. In summary, the available evidence is currently insufficient to determine the role of this variant in disease. Therefore, it has been classified as a Variant of Uncertain Significance.

Ambry Genetics
Classification: Uncertain significance for Hereditary cancer-predisposing syndrome. Last evaluated: 2023-12-23. Review status: criteria provided, single submitter. Criteria: Ambry Variant Classification Scheme 2023. Collection method: clinical testing. Allele origin: germline.
Comment: The p.E929D variant (also known as c.2787A>C), located in coding exon 13 of the BLM gene, results from an A to C substitution at nucleotide position 2787. The glutamic acid at codon 929 is replaced by aspartic acid, an amino acid with highly similar properties. This amino acid position is not well conserved in available vertebrate species. In addition, this alteration is predicted to be tolerated by in silico analysis. Since supporting evidence is limited at this time, the clinical significance of this alteration remains unclear.

Natera, Inc.
Classification: Uncertain significance for Bloom syndrome. Last evaluated: 2021-03-01. Review status: no assertion criteria provided. Collection method: clinical testing. Allele origin: germline. Not counted in ClinVar's aggregate classification.

NM_000057.4(BLM):c.2787A>C (p.Glu929Asp)

Gene: BLM (BLM RecQ like helicase; plus strand). Cytogenetic location: 15q26.1.
Variant type: single nucleotide variant.
Coding change: c.2787A>C on transcript NM_000057.4 (MANE Select); coding-DNA position 2787, A replaced by C.
Protein change: p.Glu929Asp; replaces glutamic acid 929 with aspartic acid.
Molecular consequence: missense variant.
Genome position (GRCh38, 1-based): chr15:90,785,045, A>C. VCF-style: chr15-90785045-A-C. GRCh37 (hg19) VCF-style: chr15-91328275-A-C.
Other names: c.2787A>C, p.Glu929Asp (NM_001287246.2, NM_001287247.2); c.1662A>C, p.Glu554Asp (NM_001287248.2); short protein forms E929D, E554D.
Identifiers: ClinVar variation 454119 (VCV000454119.19), dbSNP rs764679551, ClinGen allele CA393846112.